The following is an entry in ClinVar:

ClinVar aggregate classification (germline): Likely pathogenic. Review status: reviewed by expert panel (3 of 4 stars). 4 submissions from 4 submitters: Likely pathogenic (1). 3 of the submissions do not count toward it. Last evaluated 2025-06-10.

Conditions:
Metaphyseal chondrodysplasia, McKusick type (CHH). Also called: Cartilage-Hair Hypoplasia (CHH); Cartilage-hair hypoplasia. Identifiers: Orphanet 175, MedGen C0220748, MONDO:0009595, OMIM 250250.
Anauxetic dysplasia. Identifiers: Orphanet 93347, MedGen C1846796, MONDO:0011773.

gnomAD v4.1: 1 of 696,644 alleles (0.00014%); highest among the groups gnomAD compares: Non-Finnish European, 0.00026%; no homozygotes.

Submissions (4):

ClinGen Severe Combined Immunodeficiency Variant Curation Expert Panel, ClinGen
Classification: Likely pathogenic for Metaphyseal chondrodysplasia, McKusick type. Last evaluated: 2025-06-10. Review status: reviewed by expert panel. Criteria: ClinGen SCID ACMG Specifications RMRP V1.0.0. Collection method: curation. Allele origin: germline. Inheritance: Autosomal recessive inheritance.
Comment: The NC_000009.12:g.35657776T>G is present in a frequency of 0.000006567 Grpmax filtering AF with only 1 allele in 152268, which is below the PM2_Supporting threshold that the SCID VCEP has established, therefore meeting this criterion. Internal data: at least one patient has presented with metaphyseal dysplasia (disproportionate short stature + radiographic evidence) (+1.0), skeletal dysplasia gene panel or WES/WGS conducted with no alternative genetic diagnosis (+1.0) and hypotrichosis (+0.5) reaching a total of 2.5 points. Therefore PP4_Moderate is met. Therefore PM3 is met. Finally, this variant (n.244A>C) is located at position 244, which is the same nucleotide that another variant has been classified as Likely Pathogenic in position 244 (n.244A>G), meeting PS1_Supporting. In summary, this variant is classified as Likely Pathogenic for Autosomal Recessive Cartilage Hair Hypoplasia based on the ACMG/AMP criteria applied, as specified by the ClinGen SCID VCEP: PM2_Supporting, PS1_Supporting, PM3, PP4_Moderate (SCID VCEP RMRP specifications version 1).

Women's Health and Genetics/Laboratory Corporation of America, LabCorp
Classification: Likely pathogenic for Metaphyseal chondrodysplasia, McKusick type. Last evaluated: 2025-07-23. Review status: criteria provided, single submitter. Criteria: LabCorp Variant Classification Summary - May 2015. Collection method: clinical testing. Allele origin: germline. Not counted in ClinVar's aggregate classification.
Comment: Variant summary: RMRP n.243A>C (also known as NC_000009.11: chr9:g.35657773T>G) alters a nucleotide in the non-coding RNA. The variant was absent in 128784 control chromosomes. n.243A>C has been observed in the compound heterozygous state in individuals affected with Cartilage-Hair Hypoplasia (Bonafe_2005, Sathishkumar_2018, Kavadas_2008, Martin_2007). These data indicate that the variant is likely to be associated with disease. This variant is also known as n.242A>C. The following publications have been ascertained in the context of this evaluation (PMID: 16244706, 18804272, 17189938, 29744913). ClinVar contains an entry for this variant (Variation ID: 553173). Based on the evidence outlined above, the variant was classified as likely pathogenic.

Labcorp Genetics (formerly Invitae), Labcorp
Classification: Pathogenic for Anauxetic dysplasia. Last evaluated: 2023-04-30. Review status: criteria provided, single submitter. Criteria: Invitae Variant Classification Sherloc (09022015). Collection method: clinical testing. Allele origin: germline. Not counted in ClinVar's aggregate classification.
Comment: For these reasons, this variant has been classified as Pathogenic. This variant disrupts the n.243A nucleotide in the RMRP gene. Other variant(s) that disrupt this nucleotide have been determined to be pathogenic (PMID: 12107819, 18804272, 25663137, 29744913). This suggests that this nucleotide is clinically significant, and that variants that disrupt this position are likely to be disease-causing. ClinVar contains an entry for this variant (Variation ID: 553173). This variant has been observed in individual(s) with clinical features of cartilage-hair hypoplasia-anauxetic dysplasia spectrum disorders (Invitae). In at least one individual the data is consistent with being in trans (on the opposite chromosome) from a pathogenic variant. This variant is not present in population databases (gnomAD no frequency). This variant occurs in the RMRP gene, which encodes an RNA molecule that does not result in a protein product.

Counsyl
Classification: Uncertain significance for Metaphyseal chondrodysplasia, McKusick type. Last evaluated: 2017-08-01. Review status: no assertion criteria provided. Collection method: clinical testing. Allele origin: unknown. Not counted in ClinVar's aggregate classification.

Literature cited by the submitters: PubMed 16244706 (cited by Women's Health and Genetics/Laboratory Corporation of America, LabCorp); PubMed 18804272 (cited by Women's Health and Genetics/Laboratory Corporation of America, LabCorp and Labcorp Genetics (formerly Invitae), Labcorp); PubMed 17189938 (cited by Women's Health and Genetics/Laboratory Corporation of America, LabCorp); PubMed 29744913 (cited by Women's Health and Genetics/Laboratory Corporation of America, LabCorp and Labcorp Genetics (formerly Invitae), Labcorp); PubMed 12107819 (cited by Labcorp Genetics (formerly Invitae), Labcorp); PubMed 25663137 (cited by Labcorp Genetics (formerly Invitae), Labcorp).

NR_003051.4(RMRP):n.244A>C

Gene: RMRP (RNA component of mitochondrial RNA processing endoribonuclease; minus strand). Cytogenetic location: 9p13.3.
Variant type: single nucleotide variant.
Genome position: GRCh38 VCF-style: chr9-35657776-T-G. GRCh37 (hg19) VCF-style: chr9-35657773-T-G.
Identifiers: ClinVar variation 553173 (VCV000553173.11), dbSNP rs551450545, ClinGen allele CA464450288.